The following is an entry in ClinVar:

NM_000384.3(APOB):c.3263C>T (p.Thr1088Met)

Gene: APOB (apolipoprotein B; minus strand). Cytogenetic location: 2p24.1.
Variant type: single nucleotide variant.
Coding change: c.3263C>T on transcript NM_000384.3 (MANE Select); coding-DNA position 3263, C replaced by T.
Protein change: p.Thr1088Met; replaces threonine 1088 with methionine.
Molecular consequence: missense variant.
Genome position (GRCh38, 1-based): chr2:21,016,508, G>A on the plus strand (C>T on the coding strand, the complement: APOB is on the minus strand). VCF-style: chr2-21016508-G-A. GRCh37 (hg19) VCF-style: chr2-21239380-G-A.
Other names: short protein forms T1088M.
Identifiers: ClinVar variation 3231398 (VCV003231398.1), dbSNP rs1225465488, ClinGen allele CA346009470.

ClinVar aggregate classification (germline): Uncertain significance (1 of 4 stars; one submission).

Conditions:
Cardiovascular phenotype. Identifiers: MedGen CN230736.

Allele frequency attached by ClinVar (database versions not stated): gnomAD exomes below 0.00001; TOPMed below 0.00001.
gnomAD v4.1: 1 of 1,610,868 alleles (0.000062%); highest among the groups gnomAD compares: African/African-American, 0.0013%; no homozygotes.

Submission:

Ambry Genetics
Classification: Uncertain significance for Cardiovascular phenotype. Last evaluated: 2024-01-01. Review status: criteria provided, single submitter. Criteria: Ambry Variant Classification Scheme 2023. Collection method: clinical testing. Allele origin: germline.
Comment: The p.T1088M variant (also known as c.3263C>T), located in coding exon 21 of the APOB gene, results from a C to T substitution at nucleotide position 3263. The threonine at codon 1088 is replaced by methionine, an amino acid with similar properties. This amino acid position is conserved. In addition, this alteration is predicted to be tolerated by in silico analysis. Since supporting evidence is limited at this time, the clinical significance of this alteration remains unclear.